The following is an entry in ClinVar:

NM_178526.5(SLC25A42):c.81+6T>G

Gene: SLC25A42 (solute carrier family 25 member 42; plus strand). Cytogenetic location: 19p13.11.
Variant type: single nucleotide variant.
Coding change: c.81+6T>G on transcript NM_178526.5 (MANE Select); 6 bases into the intron after coding-DNA position 81, T replaced by G.
Molecular consequence: intron variant.
Genome position (GRCh38, 1-based): chr19:19,096,211, T>G. VCF-style: chr19-19096211-T-G. GRCh37 (hg19) VCF-style: chr19-19207020-T-G.
Other names: c.81+6T>G (NM_001321544.2).
Identifiers: ClinVar variation 1499928 (VCV001499928.6), dbSNP rs976603492, ClinGen allele CA2573156281.

ClinVar aggregate classification (germline): Uncertain significance (1 of 4 stars; one submission).

Submission:

Labcorp Genetics (formerly Invitae), Labcorp
Classification: Uncertain significance. Last evaluated: 2024-11-11. Review status: criteria provided, single submitter. Criteria: Invitae Variant Classification Sherloc (09022015). Collection method: clinical testing. Allele origin: germline.
Comment: This sequence change falls in intron 2 of the SLC25A42 gene. It does not directly change the encoded amino acid sequence of the SLC25A42 protein. It affects a nucleotide within the consensus splice site. This variant is not present in population databases (gnomAD no frequency). This variant has not been reported in the literature in individuals affected with SLC25A42-related conditions. ClinVar contains an entry for this variant (Variation ID: 1499928). Variants that disrupt the consensus splice site are a relatively common cause of aberrant splicing (PMID: 17576681, 9536098). Algorithms developed to predict the effect of sequence changes on RNA splicing suggest that this variant is not likely to affect RNA splicing. In summary, the available evidence is currently insufficient to determine the role of this variant in disease. Therefore, it has been classified as a Variant of Uncertain Significance.

Literature cited by the submitters: PubMed 17576681; PubMed 9536098.